The following is an entry in ClinVar:

NM_017617.5(NOTCH1):c.3955G>A (p.Gly1319Arg)

Gene: NOTCH1 (notch receptor 1; minus strand). Cytogenetic location: 9q34.3.
Variant type: single nucleotide variant.
Coding change: c.3955G>A on transcript NM_017617.5 (MANE Select); coding-DNA position 3955, G replaced by A.
Protein change: p.Gly1319Arg; replaces glycine 1319 with arginine.
Molecular consequence: missense variant.
Genome position (GRCh38, 1-based): chr9:136,506,586, C>T on the plus strand (G>A on the coding strand, the complement: NOTCH1 is on the minus strand). VCF-style: chr9-136506586-C-T. GRCh37 (hg19) VCF-style: chr9-139401038-C-T.
Other names: short protein forms G1319R.
Identifiers: ClinVar variation 4635478 (VCV004635478.1).

ClinVar aggregate classification (germline): Uncertain significance (1 of 4 stars; one submission).

Conditions:
Familial thoracic aortic aneurysm and aortic dissection (TAAD). Also called: Thoracic aortic aneurysms and dissections. Identifiers: Orphanet 91387, MedGen C4707243, MONDO:0019625.

Submission:

Ambry Genetics
Classification: Uncertain significance for Familial thoracic aortic aneurysm and aortic dissection. Last evaluated: 2025-11-16. Review status: criteria provided, single submitter. Criteria: Ambry Variant Classification Scheme 2023. Collection method: clinical testing. Allele origin: germline.
Comment: The p.G1319R variant (also known as c.3955G>A), located in coding exon 24 of the NOTCH1 gene, results from a G to A substitution at nucleotide position 3955. The glycine at codon 1319 is replaced by arginine, an amino acid with dissimilar properties. This amino acid position is conserved. In addition, this alteration is predicted to be deleterious by in silico analysis. Based on the available evidence, the clinical significance of this variant remains unclear.